The following is an entry in ClinVar:

NM_002769.5(PRSS1):c.5A>G (p.Asn2Ser)

Genes: PRSS1 (serine protease 1; plus strand), TRB (T cell receptor beta locus; plus strand). Cytogenetic location: 7q34.
Variant type: single nucleotide variant.
Coding change: c.5A>G on transcript NM_002769.5 (MANE Select); coding-DNA position 5, A replaced by G.
Protein change: p.Asn2Ser; replaces asparagine 2 with serine.
Molecular consequence: missense variant. On other transcripts: non-coding transcript variant (5).
Genome position (GRCh38, 1-based): chr7:142,749,489, A>G. VCF-style: chr7-142749489-A-G. GRCh37 (hg19) VCF-style: chr7-142457340-A-G.
Other names: short protein forms N2S.
Identifiers: ClinVar variation 3310635 (VCV003310635.3).

ClinVar aggregate classification (germline): Conflicting classifications of pathogenicity. Review status: criteria provided, conflicting classifications (1 of 4 stars). 2 submissions from 2 submitters: Uncertain significance (1); Likely benign (1). Last evaluated 2025-07-30.

Conditions:
Hereditary pancreatitis (PCTT). Also called: PRSS1-Related Hereditary Pancreatitis; Hereditary chronic pancreatitis. Identifiers: Orphanet 676, MedGen C0238339, MONDO:0008185, OMIM 167800.

gnomAD v4.1: 11 of 1,613,976 alleles (0.00068%); highest among the groups gnomAD compares: Non-Finnish European, 0.00085%; no homozygotes.

Submissions (2):

Labcorp Genetics (formerly Invitae), Labcorp
Classification: Uncertain significance for Hereditary pancreatitis. Last evaluated: 2025-07-30. Review status: criteria provided, single submitter. Criteria: Invitae Variant Classification Sherloc (09022015). Collection method: clinical testing. Allele origin: germline.
Comment: This sequence change replaces asparagine, which is neutral and polar, with serine, which is neutral and polar, at codon 2 of the PRSS1 protein (p.Asn2Ser). The frequency data for this variant in the population databases is considered unreliable, as metrics indicate poor data quality at this position in the gnomAD database. This variant has not been reported in the literature in individuals affected with PRSS1-related conditions. ClinVar contains an entry for this variant (Variation ID: 3310635). An algorithm developed to predict the effect of missense changes on protein structure and function outputs the following: PolyPhen-2: "Benign". The serine amino acid residue is found in multiple mammalian species, which suggests that this missense change does not adversely affect protein function. In summary, the available evidence is currently insufficient to determine the role of this variant in disease. Therefore, it has been classified as a Variant of Uncertain Significance.

Ambry Genetics
Classification: Likely benign for Hereditary pancreatitis. Last evaluated: 2024-04-30. Review status: criteria provided, single submitter. Criteria: Ambry Variant Classification Scheme 2023. Collection method: clinical testing. Allele origin: germline.